The following is an entry in ClinVar:

ClinVar aggregate classification (germline): Uncertain significance (1 of 4 stars; one submission).

Conditions:
Spondyloepimetaphyseal dysplasia-short limb-abnormal calcification syndrome (SMED-SL). Also called: SMED short limb-hand type; SMED type 2; Spondylometaepiphyseal dysplasia short limb-abnormal calcification type; Smed short limb-abnormal calcification type; Spondylometaepiphyseal dysplasia, short limb-hand type; SMED, TYPE II. Identifiers: Orphanet 93358, MedGen C1849011, MONDO:0010077, OMIM 271665.

Submission:

Department of Molecular Genetics, Istishari Arab Hospital
Classification: Uncertain significance for Spondyloepimetaphyseal dysplasia-short limb-abnormal calcification syndrome. Last evaluated: 2026-05-19. Review status: criteria provided, single submitter. Criteria: ACMG Guidelines, 2015. Collection method: clinical testing. Allele origin: germline. Inheritance: Autosomal recessive inheritance. Affected: yes.
Comment: The DDR2 variant c.2060T>C, p.Leu687Pro causes an amino acid change from Leu to Pro at position 687 in exon 16 (out of 18). The variant is not observed in the gnomAD v4.1.0 dataset, and to the best of our knowledge, it was not previously reported in the literature. It is classified as a variant of uncertain significance based on ACMG/AMP/ClinGen SVI guidelines.

NM_006182.4(DDR2):c.2060T>C (p.Leu687Pro)

Gene: DDR2 (discoidin domain receptor tyrosine kinase 2; plus strand). Cytogenetic location: 1q23.3.
Variant type: single nucleotide variant.
Coding change: c.2060T>C on transcript NM_006182.4 (MANE Select); coding-DNA position 2060, T replaced by C.
Protein change: p.Leu687Pro; replaces leucine 687 with proline.
Molecular consequence: missense variant.
Genome position (GRCh38, 1-based): chr1:162,776,147, T>C. VCF-style: chr1-162776147-T-C. GRCh37 (hg19) VCF-style: chr1-162745937-T-C.
Other names: p.Leu687Pro; c.2060T>C, p.Leu687Pro (NM_001014796.3, NM_001354982.2, NM_001354983.2); short protein forms L687P.
Identifiers: ClinVar variation 4850953 (VCV004850953.1).